The following is an entry in ClinVar:

ClinVar aggregate classification (germline): Conflicting classifications of pathogenicity. Review status: criteria provided, conflicting classifications (1 of 4 stars). 3 submissions from 3 submitters: Uncertain significance (2); Likely benign (1). Last evaluated 2022-10-27.

Conditions:
Hereditary fructosuria. Also called: ALDOB DEFICIENCY; ALDOLASE B DEFICIENCY; FRUCTOSE-1,6-BISPHOSPHATE ALDOLASE B DEFICIENCY; FRUCTOSE-1-PHOSPHATE ALDOLASE DEFICIENCY; FRUCTOSEMIA; Hereditary fructose intolerance. Identifiers: Orphanet 469, MedGen C0016751, MONDO:0009249, OMIM 229600, HP:0005973. Disease mechanism: loss of function.
Inborn genetic diseases. Identifiers: MedGen C0950123, MeSH D030342.

Allele frequency attached by ClinVar (database versions not stated): TOPMed 0.00001.

Submissions (3):

Ambry Genetics
Classification: Likely benign for Inborn genetic diseases. Last evaluated: 2022-10-27. Review status: criteria provided, single submitter. Criteria: Ambry Variant Classification Scheme 2023. Collection method: clinical testing. Allele origin: germline.

Labcorp Genetics (formerly Invitae), Labcorp
Classification: Uncertain significance for Hereditary fructosuria. Last evaluated: 2021-12-25. Review status: criteria provided, single submitter. Criteria: Invitae Variant Classification Sherloc (09022015). Collection method: clinical testing. Allele origin: germline.
Comment: This sequence change replaces aspartic acid, which is acidic and polar, with asparagine, which is neutral and polar, at codon 156 of the ALDOB protein (p.Asp156Asn). This variant is present in population databases (rs752810910, gnomAD 0.1%). This variant has not been reported in the literature in individuals affected with ALDOB-related conditions. ClinVar contains an entry for this variant (Variation ID: 915192). Algorithms developed to predict the effect of missense changes on protein structure and function output the following: SIFT: "Tolerated"; PolyPhen-2: "Benign"; Align-GVGD: "Class C0". The asparagine amino acid residue is found in multiple mammalian species, which suggests that this missense change does not adversely affect protein function. In summary, the available evidence is currently insufficient to determine the role of this variant in disease. Therefore, it has been classified as a Variant of Uncertain Significance.

Illumina Laboratory Services, Illumina
Classification: Uncertain significance for Hereditary fructosuria. Last evaluated: 2018-01-12. Review status: criteria provided, single submitter. Criteria: ICSL Variant Classification Criteria 13 December 2019. Collection method: clinical testing. Allele origin: germline.

NM_000035.4(ALDOB):c.466G>A (p.Asp156Asn)

Gene: ALDOB (aldolase, fructose-bisphosphate B; minus strand). Cytogenetic location: 9q31.1.
Variant type: single nucleotide variant.
Coding change: c.466G>A on transcript NM_000035.4 (MANE Select); coding-DNA position 466, G replaced by A.
Protein change: p.Asp156Asn; replaces aspartic acid 156 with asparagine.
Molecular consequence: missense variant.
Genome position (GRCh38, 1-based): chr9:101,427,556, C>T on the plus strand (G>A on the coding strand, the complement: ALDOB is on the minus strand). VCF-style: chr9-101427556-C-T. GRCh37 (hg19) VCF-style: chr9-104189838-C-T.
Other names: short protein forms D156N.
Identifiers: ClinVar variation 915192 (VCV000915192.6), dbSNP rs752810910, ClinGen allele CA5161592.